The following is an entry in ClinVar:

ClinVar aggregate classification (germline): Benign/Likely benign. Review status: criteria provided, multiple submitters, no conflicts (2 of 4 stars). 13 submissions from 9 submitters: Benign (10); Likely benign (2). 1 of the submissions does not count toward it. Last evaluated 2026-02-02.

Conditions:
Fetal akinesia, respiratory insufficiency, microcephaly, polymicrogyria, and dysmorphic facies. Identifiers: MedGen C5562015, MONDO:0859204, OMIM 619602.
Developmental and epileptic encephalopathy 98. Identifiers: MedGen C5562017, MONDO:0030472, OMIM 619605.
Inborn genetic diseases. Identifiers: MedGen C0950123, MeSH D030342.
Familial hemiplegic migraine. Identifiers: MedGen C0338484, MONDO:0000700.
Migraine, familial hemiplegic, 2. Identifiers: Orphanet 569, MedGen C1865322, MONDO:0011232, OMIM 602481.
Alternating hemiplegia of childhood 1 (AHC1). Identifiers: Orphanet 2131, MedGen C3549447, MONDO:0007087, OMIM 104290.

Allele frequency attached by ClinVar (database versions not stated): ESP Exome Variant Server 0.00015; gnomAD 0.00081 and 0.00088; TOPMed 0.00100; 1000 Genomes Project 30x 0.00281; 1000 Genomes Project 0.00300.
gnomAD v4.1: 1,019 of 1,613,950 alleles (0.063%); highest among the groups gnomAD compares: East Asian, 0.99%; 5 homozygotes.

Submissions (13):

Labcorp Genetics (formerly Invitae), Labcorp
Classification: Benign for Familial hemiplegic migraine. Last evaluated: 2026-02-02. Review status: criteria provided, single submitter. Criteria: Invitae Variant Classification Sherloc (09022015). Collection method: clinical testing. Allele origin: germline.

CeGaT Center for Human Genetics Tuebingen
Classification: Likely benign. Last evaluated: 2026-02-01. Review status: criteria provided, single submitter. Criteria: CeGaT Center For Human Genetics Tuebingen Variant Classification Criteria Version 2. Collection method: clinical testing. Allele origin: germline. Affected: yes. Observed: 2 variant alleles.
Comment: ATP1A2: BP4

Mayo Clinic Laboratories, Mayo Clinic
Classification: Benign. Last evaluated: 2025-09-02. Review status: criteria provided, single submitter. Criteria: ACMG Guidelines, 2015. Collection method: clinical testing. Allele origin: germline. Observed: 1 variant allele.
Comment: BA1

Blueprint Genetics
Classification: Likely benign. Last evaluated: 2024-11-21. Review status: criteria provided, single submitter. Criteria: ACMG Guidelines, 2015. Collection method: clinical testing. Allele origin: germline.

Genome-Nilou Lab
Classification: Benign for Alternating hemiplegia of childhood 1. Last evaluated: 2021-12-05. Review status: criteria provided, single submitter. Criteria: ACMG Guidelines, 2015. Collection method: clinical testing. Allele origin: germline. Affected: no.

Genome-Nilou Lab
Classification: Benign for Developmental and epileptic encephalopathy 98. Last evaluated: 2021-12-05. Review status: criteria provided, single submitter. Criteria: ACMG Guidelines, 2015. Collection method: clinical testing. Allele origin: germline. Affected: no.

Genome-Nilou Lab
Classification: Benign for Fetal akinesia, respiratory insufficiency, microcephaly, polymicrogyria, and dysmorphic facies. Last evaluated: 2021-12-05. Review status: criteria provided, single submitter. Criteria: ACMG Guidelines, 2015. Collection method: clinical testing. Allele origin: germline. Affected: no.

Genome-Nilou Lab
Classification: Benign for Migraine, familial hemiplegic, 2. Last evaluated: 2021-12-05. Review status: criteria provided, single submitter. Criteria: ACMG Guidelines, 2015. Collection method: clinical testing. Allele origin: germline. Affected: no.

Illumina Laboratory Services, Illumina
Classification: Benign for Alternating hemiplegia of childhood 1. Last evaluated: 2018-01-13. Review status: criteria provided, single submitter. Criteria: ICSL Variant Classification Criteria 13 December 2019. Collection method: clinical testing. Allele origin: germline.
Comment: This variant was observed in the ICSL laboratory as part of a predisposition screen in an ostensibly healthy population. It had not been previously curated by ICSL or reported in the Human Gene Mutation Database (HGMD: prior to June 1st, 2018), and was therefore a candidate for classification through an automated scoring system. Utilizing variant allele frequency, disease prevalence and penetrance estimates, and inheritance mode, an automated score was calculated to assess if this variant is too frequent to cause the disease. Based on the score and internal cut-off values, a variant classified as benign is not then subjected to further curation. The score for this variant resulted in a classification of benign for this disease.

Illumina Laboratory Services, Illumina
Classification: Benign for Migraine, familial hemiplegic, 2. Last evaluated: 2018-01-13. Review status: criteria provided, single submitter. Criteria: ICSL Variant Classification Criteria 13 December 2019. Collection method: clinical testing. Allele origin: germline.
Comment: the same text as in the submission from Illumina Laboratory Services, Illumina above.

Ambry Genetics
Classification: Benign for Inborn genetic diseases. Last evaluated: 2016-08-04. Review status: criteria provided, single submitter. Criteria: Ambry Variant Classification Scheme 2023. Collection method: clinical testing. Allele origin: germline.

GeneDx
Classification: Benign. Last evaluated: 2013-05-07. Review status: criteria provided, single submitter. Criteria: GeneDx Variant Classification (06012015). Collection method: clinical testing. Allele origin: germline. Affected: yes.
Comment: This variant is considered likely benign or benign based on one or more of the following criteria: it is a conservative change, it occurs at a poorly conserved position in the protein, it is predicted to be benign by multiple in silico algorithms, and/or has population frequency not consistent with disease.

Genetic Services Laboratory, University of Chicago
Classification: Likely benign for AllHighlyPenetrant. Review status: no assertion criteria provided. Collection method: clinical testing. Allele origin: germline. Inheritance: Autosomal dominant inheritance. Not counted in ClinVar's aggregate classification.
Comment: Likely benign based on allele frequency in 1000 Genomes Project or ESP global frequency and its presence in a patient with a rare or unrelated disease phenotype. NOT Sanger confirmed.

NM_000702.4(ATP1A2):c.2563+4C>T

Gene: ATP1A2 (ATPase Na+/K+ transporting subunit alpha 2; plus strand). Cytogenetic location: 1q23.2.
Variant type: single nucleotide variant.
Coding change: c.2563+4C>T on transcript NM_000702.4 (MANE Select); 4 bases into the intron after coding-DNA position 2563, C replaced by T.
Molecular consequence: intron variant.
Genome position (GRCh38, 1-based): chr1:160,136,374, C>T. VCF-style: chr1-160136374-C-T. GRCh37 (hg19) VCF-style: chr1-160106164-C-T.
Other names: p.?.
Identifiers: ClinVar variation 128483 (VCV000128483.30), dbSNP rs3747626, ClinGen allele CA288694.
Genomic context (GRCh38, chr1:160,136,374, plus strand): 5'-CCCAGACGGACAAGCTGGTGAATGAGAGGCTCATCAGCATGGCCTACGGACAGATCGGTG[C>T]GCCAAGCCCCGGGCCTCGGGAGGGAACCCCAACAGGGTTCTTTTCCCAGCTTTCAGAGGA-3'